The following is an entry in ClinVar:

ClinVar aggregate classification (germline): Likely pathogenic (1 of 4 stars; one submission).

Conditions:
Wilson disease (WND). Also called: Wilson's disease. Identifiers: Orphanet 905, MedGen C0019202, MONDO:0010200, OMIM 277900. Disease mechanism: loss of function.

Submission:

Labcorp Genetics (formerly Invitae), Labcorp
Classification: Likely pathogenic for Wilson disease. Last evaluated: 2021-08-29. Review status: criteria provided, single submitter. Criteria: Invitae Variant Classification Sherloc (09022015). Collection method: clinical testing. Allele origin: germline.
Comment: In summary, the currently available evidence indicates that the variant is pathogenic, but additional data are needed to prove that conclusively. Therefore, this variant has been classified as Likely Pathogenic. This variant disrupts the p.Thr1220 amino acid residue in ATP7B. Other variant(s) that disrupt this residue have been determined to be pathogenic (PMID: 21610751, 22763723, 24661374, 25497208). This suggests that this residue is clinically significant, and that variants that disrupt this residue are likely to be disease-causing. Experimental studies and prediction algorithms are not available or were not evaluated, and the functional significance of this variant is currently unknown. A similar copy number variant has been observed in individual(s) with ATP7B-related conditions (PMID: 10544227, 15024742, 15337266, 15952988, 20485189, 26269689, 27398169). This variant is a gross deletion of the genomic region encompassing exon(s) 17-19 of the ATP7B gene. This variant would be expected to be in-frame, preserving the integrity of the reading frame.

Literature cited by the submitters: PubMed 21610751; PubMed 22763723; PubMed 24661374; PubMed 25497208; PubMed 10544227; PubMed 15024742; PubMed 15337266; PubMed 15952988; PubMed 20485189; PubMed 26269689; PubMed 27398169.

NC_000013.10:g.(?_52511412)_(52513329_?)del

Gene: ATP7B (ATPase copper transporting beta; minus strand). Cytogenetic location: 13q14.3.
Variant type: Deletion.
Identifiers: ClinVar variation 1345656 (VCV001345656.4).